The following is an entry in ClinVar:

NM_052867.4(NALCN):c.3746C>T (p.Thr1249Ile)

Gene: NALCN (sodium leak channel, non-selective; minus strand). Cytogenetic location: 13q32.3.
Variant type: single nucleotide variant.
Coding change: c.3746C>T on transcript NM_052867.4 (MANE Select); coding-DNA position 3746, C replaced by T.
Protein change: p.Thr1249Ile; replaces threonine 1249 with isoleucine.
Molecular consequence: missense variant.
Genome position (GRCh38, 1-based): chr13:101,082,828, G>A on the plus strand (C>T on the coding strand, the complement: NALCN is on the minus strand). VCF-style: chr13-101082828-G-A. GRCh37 (hg19) VCF-style: chr13-101735179-G-A.
Other names: c.3833C>T, p.Thr1278Ile (NM_001350748.2); c.3746C>T, p.Thr1249Ile (NM_001350749.2); c.3659C>T, p.Thr1220Ile (NM_001350750.2, NM_001350751.2); short protein forms T1249I, T1278I, T1220I.
Identifiers: ClinVar variation 5005210 (VCV005005210.2).

ClinVar aggregate classification (germline): Uncertain significance (1 of 4 stars; one submission).

Conditions:
Congenital contractures of the limbs and face, hypotonia, and developmental delay (CLIFAHDD). Identifiers: Orphanet 562528, MedGen C4225398, MONDO:0014556, OMIM 616266.
Hypotonia, infantile, with psychomotor retardation and characteristic facies 1 (INNFD). Identifiers: Orphanet 371364, Orphanet 700336, MedGen C3809454, MONDO:0024567, OMIM 615419.

gnomAD v4.1: 2 of 1,613,990 alleles (0.00012%); highest among the groups gnomAD compares: East Asian, 0.0022%; no homozygotes.

Submission:

Juno Genomics, Hangzhou Juno Genomics, Inc
Classification: Uncertain significance for Congenital contractures of the limbs and face, hypotonia, and developmental delay; Hypotonia, infantile, with psychomotor retardation and characteristic facies 1. Review status: criteria provided, single submitter. Criteria: ACMG Guidelines, 2015. Collection method: clinical testing. Allele origin: germline.
Comment: Absent from controls (or at extremely low frequency if recessive) in Genome Aggregation Database.;Missense variant in a gene that has a low rate of benign missense variation.;Multiple lines of computational evidence support a deleterious effect on the gene or gene product.